The following is an entry in ClinVar:

NM_006996.3(SLC19A2):c.*1524C>T

Gene: SLC19A2 (solute carrier family 19 member 2; minus strand). Cytogenetic location: 1q24.2.
Variant type: single nucleotide variant.
Coding change: c.*1524C>T on transcript NM_006996.3 (MANE Select); 1524 bases downstream of the stop codon, C replaced by T.
Molecular consequence: 3 prime UTR variant.
Genome position (GRCh38, 1-based): chr1:169,464,325, G>A on the plus strand (C>T on the coding strand, the complement: SLC19A2 is on the minus strand). VCF-style: chr1-169464325-G-A. GRCh37 (hg19) VCF-style: chr1-169433563-G-A.
Other names: c.*1524C>T (NM_001319667.1).
Identifiers: ClinVar variation 293510 (VCV000293510.7), dbSNP rs79478264, ClinGen allele CA10608629.

ClinVar aggregate classification (germline): Benign/Likely benign. Review status: criteria provided, multiple submitters, no conflicts (2 of 4 stars). 2 submissions from 2 submitters: Benign (1); Likely benign (1). Last evaluated 2021-08-30.

Conditions:
Megaloblastic anemia, thiamine-responsive, with diabetes mellitus and sensorineural deafness (TRMA). Also called: THIAMINE METABOLISM DYSFUNCTION SYNDROME 1 (MEGALOBLASTIC ANEMIA, DIABETES MELLITUS, AND DEAFNESS TYPE); ROGERS SYNDROME; THIAMINE-RESPONSIVE ANEMIA SYNDROME; THIAMINE-RESPONSIVE MYELODYSPLASIA; Thiamine-Responsive Megaloblastic Anemia Syndrome. Identifiers: Orphanet 49827, MedGen C0342287, MONDO:0009575, OMIM 249270.

Allele frequency attached by ClinVar (database versions not stated): 1000 Genomes Project 0.00779; 1000 Genomes Project 30x 0.00843; TOPMed 0.01141.

Submissions (2):

GeneDx
Classification: Likely benign. Last evaluated: 2021-08-30. Review status: criteria provided, single submitter. Criteria: GeneDx Variant Classification Process June 2021. Collection method: clinical testing. Allele origin: germline. Affected: yes.

Illumina Laboratory Services, Illumina
Classification: Benign for Megaloblastic anemia, thiamine-responsive, with diabetes mellitus and sensorineural deafness. Last evaluated: 2018-01-13. Review status: criteria provided, single submitter. Criteria: ICSL Variant Classification Criteria 13 December 2019. Collection method: clinical testing. Allele origin: germline.
Comment: This variant was observed in the ICSL laboratory as part of a predisposition screen in an ostensibly healthy population. It had not been previously curated by ICSL or reported in the Human Gene Mutation Database (HGMD: prior to June 1st, 2018), and was therefore a candidate for classification through an automated scoring system. Utilizing variant allele frequency, disease prevalence and penetrance estimates, and inheritance mode, an automated score was calculated to assess if this variant is too frequent to cause the disease. Based on the score and internal cut-off values, a variant classified as benign is not then subjected to further curation. The score for this variant resulted in a classification of benign for this disease.